The following is an entry in ClinVar:

ClinVar aggregate classification (germline): Uncertain significance. Review status: criteria provided, multiple submitters, no conflicts (2 of 4 stars). 2 submissions from 2 submitters: Uncertain significance (2). Last evaluated 2026-02-19.

Conditions:
Catecholaminergic polymorphic ventricular tachycardia 1. Also called: RYR2-Related Catecholaminergic Polymorphic Ventricular Tachycardia; VENTRICULAR TACHYCARDIA, CATECHOLAMINERGIC POLYMORPHIC, 1, WITH OR WITHOUT ATRIAL DYSFUNCTION AND/OR DILATED CARDIOMYOPATHY; VENTRICULAR TACHYCARDIA, STRESS-INDUCED POLYMORPHIC 1. Identifiers: Orphanet 3286, MedGen C1631597, MONDO:0011484, OMIM 604772.
Cardiovascular phenotype. Identifiers: MedGen CN230736.

Allele frequency attached by ClinVar (database versions not stated): gnomAD exomes below 0.00001.
gnomAD v4.1: 4 of 1,608,604 alleles (0.00025%); highest among the groups gnomAD compares: Non-Finnish European, 0.00034%; no homozygotes.

Submissions (2):

Ambry Genetics
Classification: Uncertain significance for Cardiovascular phenotype. Last evaluated: 2026-02-19. Review status: criteria provided, single submitter. Criteria: Ambry Variant Classification Scheme 2023. Collection method: clinical testing. Allele origin: germline.
Comment: The p.I526S variant (also known as c.1577T>G), located in coding exon 27 of the TRDN gene, results from a T to G substitution at nucleotide position 1577. The isoleucine at codon 526 is replaced by serine, an amino acid with dissimilar properties. This amino acid position is conserved. In addition, this alteration is predicted to be tolerated by in silico analysis. Based on the available evidence, the clinical significance of this variant remains unclear.

Labcorp Genetics (formerly Invitae), Labcorp
Classification: Uncertain significance for Catecholaminergic polymorphic ventricular tachycardia 1. Last evaluated: 2023-12-12. Review status: criteria provided, single submitter. Criteria: Invitae Variant Classification Sherloc (09022015). Collection method: clinical testing. Allele origin: germline.
Comment: This sequence change replaces isoleucine, which is neutral and non-polar, with serine, which is neutral and polar, at codon 526 of the TRDN protein (p.Ile526Ser). This variant is not present in population databases (gnomAD no frequency). This variant has not been reported in the literature in individuals affected with TRDN-related conditions. ClinVar contains an entry for this variant (Variation ID: 1435222). Advanced modeling of protein sequence and biophysical properties (such as structural, functional, and spatial information, amino acid conservation, physicochemical variation, residue mobility, and thermodynamic stability) performed at Invitae indicates that this missense variant is not expected to disrupt TRDN protein function with a negative predictive value of 80%. In summary, the available evidence is currently insufficient to determine the role of this variant in disease. Therefore, it has been classified as a Variant of Uncertain Significance.

NM_006073.4(TRDN):c.1577T>G (p.Ile526Ser)

Gene: TRDN (triadin; minus strand). Cytogenetic location: 6q22.31.
Variant type: single nucleotide variant.
Coding change: c.1577T>G on transcript NM_006073.4 (MANE Select); coding-DNA position 1577, T replaced by G.
Protein change: p.Ile526Ser; replaces isoleucine 526 with serine.
Molecular consequence: missense variant.
Genome position (GRCh38, 1-based): chr6:123,274,661, A>C on the plus strand (T>G on the coding strand, the complement: TRDN is on the minus strand). VCF-style: chr6-123274661-A-C. GRCh37 (hg19) VCF-style: chr6-123595806-A-C.
Other names: c.1577T>G (NM_006073.2); short protein forms I526S.
Identifiers: ClinVar variation 1435222 (VCV001435222.10), dbSNP rs771612991, ClinGen allele CA365565115.